The following is an entry in ClinVar:

ClinVar aggregate classification (germline): Uncertain significance (1 of 4 stars; one submission).

gnomAD v4.1: 4 of 1,182,022 alleles (0.00034%); highest among the groups gnomAD compares: African/African-American, 0.0071%; no homozygotes.

Submission:

GeneDx
Classification: Uncertain significance. Last evaluated: 2025-03-19. Review status: criteria provided, single submitter. Criteria: GeneDx Variant Classification Process June 2021. Collection method: clinical testing. Allele origin: germline. Affected: yes.
Comment: In silico analysis supports that this missense variant has a deleterious effect on protein structure/function; Has not been previously published as pathogenic or benign to our knowledge

NM_031407.7(HUWE1):c.7268G>T (p.Gly2423Val)

Genes: HUWE1 (HECT, UBA and WWE domain containing E3 ubiquitin protein ligase 1; minus strand), LOC126863262 (MED14-independent group 3 enhancer GRCh37_chrX:53588722-53589921; plus strand). Cytogenetic location: Xp11.22.
Variant type: single nucleotide variant.
Coding change: c.7268G>T on transcript NM_031407.7 (MANE Select); coding-DNA position 7268, G replaced by T.
Protein change: p.Gly2423Val; replaces glycine 2423 with valine.
Molecular consequence: missense variant. On other transcripts: intron variant (1).
Genome position (GRCh38, 1-based): chrX:53,562,181, C>A on the plus strand (G>T on the coding strand, the complement: HUWE1 is on the minus strand). VCF-style: chrX-53562181-C-A. GRCh37 (hg19) VCF-style: chrX-53589142-C-A.
Other names: c.7105+1565G>T (NM_001441052.1); c.7265G>T, p.Gly2422Val (NM_001441048.1, NM_001441051.1, NM_001441053.1 and 2 more transcripts); c.7268G>T, p.Gly2423Val (NM_001441049.1, NM_001441054.1, NM_001441057.1); c.7289G>T, p.Gly2430Val (NM_001441050.1, NM_001441055.1); short protein forms G2422V, G2423V, G2430V.
Identifiers: ClinVar variation 4088153 (VCV004088153.1).